The following is an entry in ClinVar:

NM_001122769.3(LCA5):c.1769A>G (p.Asp590Gly)

Gene: LCA5 (lebercilin LCA5; minus strand). Cytogenetic location: 6q14.1.
Variant type: single nucleotide variant.
Coding change: c.1769A>G on transcript NM_001122769.3 (MANE Select); coding-DNA position 1769, A replaced by G.
Protein change: p.Asp590Gly; replaces aspartic acid 590 with glycine.
Molecular consequence: missense variant.
Genome position (GRCh38, 1-based): chr6:79,487,329, T>C on the plus strand (A>G on the coding strand, the complement: LCA5 is on the minus strand). VCF-style: chr6-79487329-T-C. GRCh37 (hg19) VCF-style: chr6-80197046-T-C.
Other names: c.1769A>G, p.Asp590Gly (NM_181714.4); short protein forms D590G.
Identifiers: ClinVar variation 358090 (VCV000358090.20), dbSNP rs771460783, ClinGen allele CA3900777.

ClinVar aggregate classification (germline): Conflicting classifications of pathogenicity. Review status: criteria provided, conflicting classifications (1 of 4 stars). 5 submissions from 5 submitters: Uncertain significance (1); Benign (2); Likely benign (1). 1 of the submissions does not count toward it. Last evaluated 2026-01-17.

Conditions:
Leber congenital amaurosis 5 (LCA5). Also called: Amaurosis congenita of Leber, type 5. Identifiers: Orphanet 65, MedGen C1858301, MONDO:0011473, OMIM 604537.
LCA5-related disorder. Also called: LCA5-related condition.

Allele frequency attached by ClinVar (database versions not stated): TOPMed 0.00001; gnomAD 0.00002; ExAC 0.00012.
gnomAD v4.1: 144 of 1,613,894 alleles (0.0089%); highest among the groups gnomAD compares: East Asian, 0.31%; 2 homozygotes.

Submissions (5):

Labcorp Genetics (formerly Invitae), Labcorp
Classification: Benign. Last evaluated: 2026-01-17. Review status: criteria provided, single submitter. Criteria: Invitae Variant Classification Sherloc (09022015). Collection method: clinical testing. Allele origin: germline.

PreventionGenetics, part of Exact Sciences
Classification: Likely benign for LCA5-related condition. Last evaluated: 2024-11-26. Review status: criteria provided, single submitter. Criteria: ACMG Guidelines, 2015. Collection method: clinical testing. Allele origin: germline.
Comment: This variant is classified as likely benign based on ACMG/AMP sequence variant interpretation guidelines (Richards et al. 2015 PMID: 25741868, with internal and published modifications).

Blueprint Genetics
Classification: Benign. Last evaluated: 2022-10-17. Review status: criteria provided, single submitter. Criteria: ACMG Guidelines, 2015. Collection method: clinical testing. Allele origin: germline.

Illumina Laboratory Services, Illumina
Classification: Uncertain significance for Leber congenital amaurosis 5. Last evaluated: 2018-01-13. Review status: criteria provided, single submitter. Criteria: ICSL Variant Classification Criteria 13 December 2019. Collection method: clinical testing. Allele origin: germline.

Natera, Inc.
Classification: Likely benign for Leber congenital amaurosis type 5. Last evaluated: 2019-10-28. Review status: no assertion criteria provided. Collection method: clinical testing. Allele origin: germline. Not counted in ClinVar's aggregate classification.